The following is an entry in ClinVar:

ClinVar aggregate classification (germline): Uncertain significance (1 of 4 stars; one submission).

Conditions:
Arrhythmogenic right ventricular dysplasia 10. Also called: ARRHYTHMOGENIC RIGHT VENTRICULAR DYSPLASIA, FAMILIAL, 10; Arrhythmogenic Right Ventricular Dysplasia/Cardiomyopathy10; Arrhythmogenic right ventricular dysplasia/cardiomyopathy, type 10. Identifiers: MedGen C1857777, MONDO:0012434, OMIM 610193.

Submission:

Labcorp Genetics (formerly Invitae), Labcorp
Classification: Uncertain significance for Arrhythmogenic right ventricular dysplasia 10. Last evaluated: 2023-12-16. Review status: criteria provided, single submitter. Criteria: Invitae Variant Classification Sherloc (09022015). Collection method: clinical testing. Allele origin: germline.
Comment: This sequence change replaces aspartic acid, which is acidic and polar, with glutamic acid, which is acidic and polar, at codon 494 of the DSG2 protein (p.Asp494Glu). This variant is not present in population databases (gnomAD no frequency). This variant has not been reported in the literature in individuals affected with DSG2-related conditions. Advanced modeling of protein sequence and biophysical properties (such as structural, functional, and spatial information, amino acid conservation, physicochemical variation, residue mobility, and thermodynamic stability) performed at Invitae indicates that this missense variant is not expected to disrupt DSG2 protein function with a negative predictive value of 95%. This variant disrupts the p.Asp494 amino acid residue in DSG2. Other variant(s) that disrupt this residue have been determined to be pathogenic (PMID: 23514727, 29178656; Invitae). This suggests that this residue is clinically significant, and that variants that disrupt this residue are likely to be disease-causing. In summary, the available evidence is currently insufficient to determine the role of this variant in disease. Therefore, it has been classified as a Variant of Uncertain Significance.

Literature cited by the submitters: PubMed 23514727; PubMed 29178656.

NM_001943.5(DSG2):c.1482C>G (p.Asp494Glu)

Gene: DSG2 (desmoglein 2; plus strand). Cytogenetic location: 18q12.1.
Variant type: single nucleotide variant.
Coding change: c.1482C>G on transcript NM_001943.5 (MANE Select); coding-DNA position 1482, C replaced by G.
Protein change: p.Asp494Glu; replaces aspartic acid 494 with glutamic acid.
Molecular consequence: missense variant.
Genome position (GRCh38, 1-based): chr18:31,536,260, C>G. VCF-style: chr18-31536260-C-G. GRCh37 (hg19) VCF-style: chr18-29116223-C-G.
Other names: short protein forms D494E.
Identifiers: ClinVar variation 2701508 (VCV002701508.3), dbSNP rs2510917820, ClinGen allele CA402141401.